The following is an entry in ClinVar:

NM_003738.5(PTCH2):c.811dup (p.Gln271fs)

Gene: PTCH2 (patched 2; minus strand). Cytogenetic location: 1p34.1.
Variant type: Duplication.
Coding change: c.811dup on transcript NM_003738.5 (MANE Select); coding-DNA position 811, one base duplicated (C; older notation c.811dupC).
Protein change: p.Gln271fs; shifts the reading frame from glutamine 271.
Molecular consequence: frameshift variant.
Genome position (GRCh38, 1-based): chr1:44,830,850, G duplicated on the plus strand (C on the coding strand, the reverse complement: PTCH2 is on the minus strand). VCF-style (leftmost placement, unchanged base first): chr1-44830849-T-TG. GRCh37 (hg19) VCF-style: chr1-45296521-T-TG.
Other names: c.811dup, p.Gln271fs (NM_001166292.2); short protein forms Q271fs.
Identifiers: ClinVar variation 849208 (VCV000849208.8), dbSNP rs1653413924, ClinGen allele CA916082026.

ClinVar aggregate classification (germline): Uncertain significance (1 of 4 stars; one submission).

Conditions:
Gorlin syndrome. Also called: Nevoid Basal Cell Carcinoma Syndrome; Basal cell nevus syndrome. Identifiers: Orphanet 377, MedGen C0004779, MONDO:0007187.

Submission:

Labcorp Genetics (formerly Invitae), Labcorp
Classification: Uncertain significance for Gorlin syndrome. Last evaluated: 2022-10-17. Review status: criteria provided, single submitter. Criteria: Invitae Variant Classification Sherloc (09022015). Collection method: clinical testing. Allele origin: germline.
Comment: In summary, the available evidence is currently insufficient to determine the role of this variant in disease. Therefore, it has been classified as a Variant of Uncertain Significance. ClinVar contains an entry for this variant (Variation ID: 849208). This variant has not been reported in the literature in individuals affected with PTCH2-related conditions. This variant is not present in population databases (gnomAD no frequency). This sequence change creates a premature translational stop signal (p.Gln271Profs*65) in the PTCH2 gene. It is expected to result in an absent or disrupted protein product. However, the current clinical and genetic evidence is not sufficient to establish whether loss-of-function variants in PTCH2 cause disease.